The following is an entry in ClinVar:

ClinVar aggregate classification (germline): Likely benign (1 of 4 stars; one submission).

Submission:

CeGaT Center for Human Genetics Tuebingen
Classification: Likely benign. Last evaluated: 2026-07-01. Review status: criteria provided, single submitter. Criteria: CeGaT Center For Human Genetics Tuebingen Variant Classification Criteria Version 2. Collection method: clinical testing. Allele origin: germline. Affected: yes. Observed: 1 variant allele.
Comment: FOCAD: PM2:Supporting, BP4, BP7

NM_001375567.1(FOCAD):c.5349G>A (p.Leu1783=)

Gene: FOCAD (focadhesin; plus strand). Cytogenetic location: 9p21.3.
Variant type: single nucleotide variant.
Coding change: c.5349G>A on transcript NM_001375567.1 (MANE Select); coding-DNA position 5349, G replaced by A.
Protein change: p.Leu1783=; no amino-acid change (leucine 1783 retained).
Molecular consequence: synonymous variant.
Genome position (GRCh38, 1-based): chr9:20,995,572, G>A. VCF-style: chr9-20995572-G-A. GRCh37 (hg19) VCF-style: chr9-20995571-G-A.
Other names: c.5244G>A, p.Leu1748= (NM_001375568.1, NM_001375570.1); c.5349G>A, p.Leu1783= (NM_017794.5).
Identifiers: ClinVar variation 5040139 (VCV005040139.1).